The following is an entry in ClinVar:

NM_000426.4(LAMA2):c.436T>C (p.Ser146Pro)

Gene: LAMA2 (laminin subunit alpha 2; plus strand). Cytogenetic location: 6q22.33.
Variant type: single nucleotide variant.
Coding change: c.436T>C on transcript NM_000426.4 (MANE Select); coding-DNA position 436, T replaced by C.
Protein change: p.Ser146Pro; replaces serine 146 with proline.
Molecular consequence: missense variant.
Genome position (GRCh38, 1-based): chr6:129,098,212, T>C. VCF-style: chr6-129098212-T-C. GRCh37 (hg19) VCF-style: chr6-129419357-T-C.
Other names: c.436T>C, p.Ser146Pro (NM_001079823.2); short protein forms S146P.
Identifiers: ClinVar variation 5003680 (VCV005003680.1).
Genomic context (GRCh38, chr6:129,098,212, plus strand): 5'-GTTGTTGTTATACTTCCCTAGGTGTTCCAGATCGCGTATGTGATTGTGAAGGCAGCTAAC[T>C]CCCCCCGGCCTGGAAACTGGATTTTGGAACGCTCTCTTGATGATGTTGAATACAAGCCCT-3'
Protein context (NP_000417.3, residues 136-156): IAYVIVKAAN[Ser146Pro]PRPGNWILER

ClinVar aggregate classification (germline): Uncertain significance (1 of 4 stars; one submission).

Conditions:
LAMA2-related muscular dystrophy (LAMA2-RD). Also called: Laminin alpha 2-related dystrophy. Identifiers: MedGen C5679788, MONDO:0100228.

Submission:

Myriad Genetics, Inc.
Classification: Uncertain significance for LAMA2-related muscular dystrophy. Last evaluated: 2026-05-19. Review status: criteria provided, single submitter. Criteria: Myriad Autosomal Dominant, Autosomal Recessive and X-Linked Classification Criteria (2023). Collection method: clinical testing. Allele origin: unknown.
Comment: NM_000426.3(LAMA2):c.436T>C(S146P) is a missense variant classified as a variant of uncertain significance in the context of muscular dystrophy, LAMA2-related. S146P has not been observed in cases with relevant disease. Relevant functional assessments of this variant are not available in the literature. S146P has not been observed in referenced population frequency databases. In summary, there is insufficient evidence to classify NM_000426.3(LAMA2):c.436T>C(S146P) as pathogenic or benign. Please note: this variant was assessed in the context of healthy population screening.